The following is an entry in ClinVar:

NM_014285.7(EXOSC2):c.107A>T (p.Asp36Val)

Genes: EXOSC2 (exosome component 2; plus strand), LOC130002815 (ATAC-STARR-seq lymphoblastoid active region 29156; plus strand). Cytogenetic location: 9q34.12.
Variant type: single nucleotide variant.
Coding change: c.107A>T on transcript NM_014285.7 (MANE Select); coding-DNA position 107, A replaced by T.
Protein change: p.Asp36Val; replaces aspartic acid 36 with valine.
Molecular consequence: missense variant. On other transcripts: non-coding transcript variant (1).
Genome position (GRCh38, 1-based): chr9:130,693,898, A>T. VCF-style: chr9-130693898-A-T. GRCh37 (hg19) VCF-style: chr9-133569285-A-T.
Other names: c.107A>T, p.Asp36Val (NM_001282708.1, NM_001282709.1); short protein forms D36V.
Identifiers: ClinVar variation 1522005 (VCV001522005.7), dbSNP rs1346155165, ClinGen allele CA375246065.

ClinVar aggregate classification (germline): Uncertain significance (1 of 4 stars; one submission).

Allele frequency attached by ClinVar (database versions not stated): gnomAD exomes 0.00001 and 0.00002; TOPMed 0.00001.
gnomAD v4.1: 6 of 1,610,316 alleles (0.00037%); highest among the groups gnomAD compares: Admixed American, 0.01%; no homozygotes.

Submission:

Labcorp Genetics (formerly Invitae), Labcorp
Classification: Uncertain significance. Last evaluated: 2025-02-10. Review status: criteria provided, single submitter. Criteria: Invitae Variant Classification Sherloc (09022015). Collection method: clinical testing. Allele origin: germline.
Comment: This sequence change replaces aspartic acid, which is acidic and polar, with valine, which is neutral and non-polar, at codon 36 of the EXOSC2 protein (p.Asp36Val). This variant is present in population databases (no rsID available, gnomAD 0.02%). This variant has not been reported in the literature in individuals affected with EXOSC2-related conditions. ClinVar contains an entry for this variant (Variation ID: 1522005). Invitae Evidence Modeling of protein sequence and biophysical properties (such as structural, functional, and spatial information, amino acid conservation, physicochemical variation, residue mobility, and thermodynamic stability) indicates that this missense variant is not expected to disrupt EXOSC2 protein function with a negative predictive value of 80%. In summary, the available evidence is currently insufficient to determine the role of this variant in disease. Therefore, it has been classified as a Variant of Uncertain Significance.